The following is an entry in ClinVar:

NM_000199.5(SGSH):c.35T>G (p.Leu12Arg)

Gene: SGSH (N-sulfoglucosamine sulfohydrolase; minus strand). Cytogenetic location: 17q25.3.
Variant type: single nucleotide variant.
Coding change: c.35T>G on transcript NM_000199.5 (MANE Select); coding-DNA position 35, T replaced by G.
Protein change: p.Leu12Arg; replaces leucine 12 with arginine.
Molecular consequence: missense variant. On other transcripts: non-coding transcript variant (1).
Genome position (GRCh38, 1-based): chr17:80,220,279, A>C on the plus strand (T>G on the coding strand, the complement: SGSH is on the minus strand). VCF-style: chr17-80220279-A-C. GRCh37 (hg19) VCF-style: chr17-78194078-A-C.
Other names: c.35T>G, p.Leu12Arg (NM_001352921.3, NM_001352922.2); short protein forms L12R.
Identifiers: ClinVar variation 2130928 (VCV002130928.4), dbSNP rs1359433732, ClinGen allele CA401365589.

ClinVar aggregate classification (germline): Uncertain significance (1 of 4 stars; one submission).

Conditions:
Mucopolysaccharidosis, MPS-III-A (MPS3A). Also called: HEPARAN SULFATE SULFATASE DEFICIENCY; SANFILIPPO SYNDROME A; SULFAMIDASE DEFICIENCY; MPS III A; Mucopolysaccharidosis, type IIIA; MUCOPOLYSACCHARIDOSIS, TYPE IIIA, ATTENUATED. Identifiers: Orphanet 581, Orphanet 79269, MedGen C0086647, MONDO:0009655, OMIM 252900.

Allele frequency attached by ClinVar (database versions not stated): gnomAD exomes below 0.00001.
gnomAD v4.1: 2 of 1,519,782 alleles (0.00013%); highest among the groups gnomAD compares: South Asian, 0.0024%; no homozygotes.

Submission:

Labcorp Genetics (formerly Invitae), Labcorp
Classification: Uncertain significance for Mucopolysaccharidosis, MPS-III-A. Last evaluated: 2022-06-07. Review status: criteria provided, single submitter. Criteria: Invitae Variant Classification Sherloc (09022015). Collection method: clinical testing. Allele origin: germline.
Comment: In summary, the available evidence is currently insufficient to determine the role of this variant in disease. Therefore, it has been classified as a Variant of Uncertain Significance. Algorithms developed to predict the effect of missense changes on protein structure and function are either unavailable or do not agree on the potential impact of this missense change (SIFT: "Deleterious"; PolyPhen-2: "Not Available"; Align-GVGD: "Class C0"). This variant has not been reported in the literature in individuals affected with SGSH-related conditions. This variant is present in population databases (no rsID available, gnomAD 0.005%). This sequence change replaces leucine, which is neutral and non-polar, with arginine, which is basic and polar, at codon 12 of the SGSH protein (p.Leu12Arg).